The following is an entry in ClinVar:

NM_001376.5(DYNC1H1):c.12564G>A (p.Ala4188=)

Gene: DYNC1H1 (dynein cytoplasmic 1 heavy chain 1; plus strand). Cytogenetic location: 14q32.31.
Variant type: single nucleotide variant.
Coding change: c.12564G>A on transcript NM_001376.5 (MANE Select); coding-DNA position 12564, G replaced by A.
Protein change: p.Ala4188=; no amino-acid change (alanine 4188 retained).
Molecular consequence: synonymous variant.
Genome position (GRCh38, 1-based): chr14:102,043,925, G>A. VCF-style: chr14-102043925-G-A. GRCh37 (hg19) VCF-style: chr14-102510262-G-A.
Identifiers: ClinVar variation 1169409 (VCV001169409.36), dbSNP rs370064490, ClinGen allele CA7353970.

ClinVar aggregate classification (germline): Benign/Likely benign. Review status: criteria provided, multiple submitters, no conflicts (2 of 4 stars). 4 submissions from 4 submitters: Benign (1); Likely benign (2). 1 of the submissions does not count toward it. Last evaluated 2025-12-21.

Conditions:
DYNC1H1-related disorder. Also called: DYNC1H1-related disorders; DYNC1H1-related condition. Identifiers: MedGen CN381529.
Charcot-Marie-Tooth disease axonal type 2O. Also called: CHARCOT-MARIE-TOOTH NEUROPATHY, AXONAL, TYPE 2O; CHARCOT-MARIE-TOOTH DISEASE, AXONAL, AUTOSOMAL DOMINANT, TYPE 2O; Charcot-Marie-Tooth Neuropathy Type 2O; Charcot-Marie-Tooth disease, axonal, type 20. Identifiers: Orphanet 284232, MedGen C3280220, MONDO:0013644, OMIM 614228.

Allele frequency attached by ClinVar (database versions not stated): ESP Exome Variant Server 0.00031.
gnomAD v4.1: 125 of 1,614,230 alleles (0.0077%); highest among the groups gnomAD compares: African/African-American, 0.045%; 2 homozygotes.

Submissions (4):

Labcorp Genetics (formerly Invitae), Labcorp
Classification: Benign for Charcot-Marie-Tooth disease axonal type 2O. Last evaluated: 2025-12-21. Review status: criteria provided, single submitter. Criteria: Invitae Variant Classification Sherloc (09022015). Collection method: clinical testing. Allele origin: germline.

CeGaT Center for Human Genetics Tuebingen
Classification: Likely benign. Last evaluated: 2023-10-01. Review status: criteria provided, single submitter. Criteria: CeGaT Center For Human Genetics Tuebingen Variant Classification Criteria Version 2. Collection method: clinical testing. Allele origin: germline. Affected: yes. Observed: 1 variant allele.
Comment: DYNC1H1: BP4, BP7

GeneDx
Classification: Likely benign. Last evaluated: 2019-11-15. Review status: criteria provided, single submitter. Criteria: GeneDx Variant Classification Process June 2021. Collection method: clinical testing. Allele origin: germline. Affected: yes.

PreventionGenetics, part of Exact Sciences
Classification: Likely benign for DYNC1H1-related condition. Last evaluated: 2019-07-24. Review status: no assertion criteria provided. Collection method: clinical testing. Allele origin: germline. Not counted in ClinVar's aggregate classification.
Comment: This variant is classified as likely benign based on ACMG/AMP sequence variant interpretation guidelines (Richards et al. 2015 PMID: 25741868, with internal and published modifications).